The following is an entry in ClinVar:

ClinVar aggregate classification (germline): Pathogenic (1 of 4 stars; one submission).

Conditions:
Intellectual developmental disorder with seizures and language delay (IDDSELD). Identifiers: MedGen C5436574, MONDO:0033559, OMIM 619000.

Submission:

Institute of Human Genetics, University of Leipzig Medical Center
Classification: Pathogenic for Intellectual developmental disorder with seizures and language delay. Last evaluated: 2025-09-09. Review status: criteria provided, single submitter. Criteria: ACMG Guidelines, 2015. Collection method: clinical testing. Allele origin: unknown. Inheritance: Autosomal dominant inheritance. Affected: yes.
Comment: Criteria applied: PVS1,PM2

NM_001353345.2(SETD1B):c.5203del (p.Arg1735fs)

Gene: SETD1B (SET domain containing 1B, histone lysine methyltransferase; plus strand). Cytogenetic location: 12q24.31.
Variant type: Deletion.
Coding change: c.5203del on transcript NM_001353345.2 (MANE Select); coding-DNA position 5203, one base deleted (C; older notation c.5203delC).
Protein change: p.Arg1735fs; shifts the reading frame from arginine 1735.
Molecular consequence: frameshift variant.
Genome position (GRCh38, 1-based): chr12:121,825,232, C deleted. VCF-style (leftmost placement, unchanged base first): chr12-121825231-AC-A. GRCh37 (hg19) VCF-style: chr12-122263137-AC-A.
Other names: short protein forms R1735fs.
Identifiers: ClinVar variation 4291105 (VCV004291105.1).